The following is an entry in ClinVar:

ClinVar aggregate classification (germline): Benign. Review status: criteria provided, single submitter (1 of 4 stars). 2 submissions from 2 submitters: Benign (1). 1 of the submissions does not count toward it. Last evaluated 2026-02-02.

Conditions:
NFAT5-related disorder. Also called: NFAT5-related condition.
Immunodeficiency. Identifiers: MedGen C0021051, MONDO:0021094, HP:0002721.

Allele frequency attached by ClinVar (database versions not stated): ESP Exome Variant Server 0.00008; TOPMed 0.00027; gnomAD 0.00048 and 0.00064; gnomAD exomes 0.00049 and 0.00075; ExAC 0.00076; 1000 Genomes Project 30x 0.00109; 1000 Genomes Project 0.00140.
gnomAD v4.1: 808 of 1,600,962 alleles (0.05%); highest among the groups gnomAD compares: East Asian, 0.86%; 7 homozygotes.

Submissions (2):

Labcorp Genetics (formerly Invitae), Labcorp
Classification: Benign for Immunodeficiency. Last evaluated: 2026-02-02. Review status: criteria provided, single submitter. Criteria: Invitae Variant Classification Sherloc (09022015). Collection method: clinical testing. Allele origin: germline.

PreventionGenetics, part of Exact Sciences
Classification: Likely benign for NFAT5-related condition. Last evaluated: 2019-10-30. Review status: no assertion criteria provided. Collection method: clinical testing. Allele origin: germline. Not counted in ClinVar's aggregate classification.
Comment: This variant is classified as likely benign based on ACMG/AMP sequence variant interpretation guidelines (Richards et al. 2015 PMID: 25741868, with internal and published modifications).

NM_138713.4(NFAT5):c.1697C>G (p.Ala566Gly)

Gene: NFAT5 (nuclear factor of activated T cells 5; plus strand). Cytogenetic location: 16q22.1.
Variant type: single nucleotide variant.
Coding change: c.1697C>G on transcript NM_138713.4 (MANE Select); coding-DNA position 1697, C replaced by G.
Protein change: p.Ala566Gly; replaces alanine 566 with glycine.
Molecular consequence: missense variant.
Genome position (GRCh38, 1-based): chr16:69,684,893, C>G. VCF-style: chr16-69684893-C-G. GRCh37 (hg19) VCF-style: chr16-69718796-C-G.
Other names: c.1694C>G, p.Ala565Gly (NM_001113178.3); c.1022C>G, p.Ala341Gly (NM_001367709.1); c.1643C>G, p.Ala548Gly (NM_006599.4); c.1415C>G, p.Ala472Gly (NM_138714.4, NM_173214.3, NM_173215.3); short protein forms A472G, A565G, A566G, A548G, A341G.
Identifiers: ClinVar variation 708549 (VCV000708549.13), dbSNP rs150693156, ClinGen allele CA8135625.
Genomic context (GRCh38, chr16:69,684,893, plus strand): 5'-GAGGTTTTTAGGATGAGTAAATGTAGATAAATACATTAATCTTTTTTTTAATAGCAGCAG[C>G]TGGTGCTTTGAATGTAAATGTGAAGAAGGAAATATCTAGTCCAGCAAGACCTTGCTCTTT-3'
Protein context (NP_619727.2, residues 556-576): PFTYTPDPAA[Ala566Gly]GALNVNVKKE